The following is an entry in ClinVar:

NM_017636.4(TRPM4):c.1435C>A (p.Gln479Lys)

Gene: TRPM4 (transient receptor potential cation channel subfamily M member 4; plus strand). Cytogenetic location: 19q13.33.
Variant type: single nucleotide variant.
Coding change: c.1435C>A on transcript NM_017636.4 (MANE Select); coding-DNA position 1435, C replaced by A.
Protein change: p.Gln479Lys; replaces glutamine 479 with lysine.
Molecular consequence: missense variant. On other transcripts: 5 prime UTR variant (1).
Genome position (GRCh38, 1-based): chr19:49,182,749, C>A. VCF-style: chr19-49182749-C-A. GRCh37 (hg19) VCF-style: chr19-49686006-C-A.
Other names: c.1435C>A, p.Gln479Lys (NM_001195227.2); c.1090C>A, p.Gln364Lys (NM_001321281.2); c.-119C>A (NM_001321282.2); c.913C>A, p.Gln305Lys (NM_001321283.2); c.373C>A, p.Gln125Lys (NM_001321285.2); short protein forms Q479K, Q305K, Q364K, Q125K.
Identifiers: ClinVar variation 2102841 (VCV002102841.4), dbSNP rs2514115730, ClinGen allele CA406799331.

ClinVar aggregate classification (germline): Uncertain significance (1 of 4 stars; one submission).

Conditions:
Progressive familial heart block type IB (PFHB1B). Identifiers: Orphanet 871, MedGen C1970298, MONDO:0011474, OMIM 604559.

Submission:

Labcorp Genetics (formerly Invitae), Labcorp
Classification: Uncertain significance for Progressive familial heart block type IB. Last evaluated: 2022-02-24. Review status: criteria provided, single submitter. Criteria: Invitae Variant Classification Sherloc (09022015). Collection method: clinical testing. Allele origin: germline.
Comment: In summary, the available evidence is currently insufficient to determine the role of this variant in disease. Therefore, it has been classified as a Variant of Uncertain Significance. Algorithms developed to predict the effect of missense changes on protein structure and function (SIFT, PolyPhen-2, Align-GVGD) all suggest that this variant is likely to be tolerated. This variant has not been reported in the literature in individuals affected with TRPM4-related conditions. This variant is not present in population databases (gnomAD no frequency). This sequence change replaces glutamine, which is neutral and polar, with lysine, which is basic and polar, at codon 479 of the TRPM4 protein (p.Gln479Lys).